The following is an entry in ClinVar:

ClinVar aggregate classification (germline): Uncertain significance. Review status: criteria provided, multiple submitters, no conflicts (2 of 4 stars). 6 submissions from 6 submitters: Uncertain significance (6). Last evaluated 2025-10-28.

Conditions:
Familial adenomatous polyposis 1 (FAP1). Also called: FAMILIAL ADENOMATOUS POLYPOSIS 1, ATTENUATED; POLYPOSIS, ADENOMATOUS INTESTINAL. Identifiers: MedGen C2713442, MONDO:0021056, OMIM 175100. Disease mechanism: loss of function.
Hereditary cancer-predisposing syndrome. Also called: Tumor predisposition; Hereditary Cancer Syndrome; Hereditary neoplastic syndrome; Neoplastic Syndromes, Hereditary. Identifiers: Orphanet 140162, MedGen C0027672, MeSH D009386, MONDO:0015356.
Classic or attenuated familial adenomatous polyposis. Identifiers: MedGen CN372698, MONDO:0021057.

Allele frequency attached by ClinVar (database versions not stated): gnomAD exomes below 0.00001; TOPMed below 0.00001; ExAC 0.00001; gnomAD 0.00001 and 0.00002; 1000 Genomes Project 30x 0.00016; 1000 Genomes Project 0.00020.
gnomAD v4.1: 6 of 1,614,008 alleles (0.00037%); highest among the groups gnomAD compares: African/African-American, 0.0067%; no homozygotes.

Submissions (6):

Ambry Genetics
Classification: Uncertain significance for Hereditary cancer-predisposing syndrome. Last evaluated: 2025-10-28. Review status: criteria provided, single submitter. Criteria: Ambry Variant Classification Scheme 2023. Collection method: clinical testing. Allele origin: germline.
Comment: The p.I1690V variant (also known as c.5068A>G), located in coding exon 15 of the APC gene, results from an A to G substitution at nucleotide position 5068. The isoleucine at codon 1690 is replaced by valine, an amino acid with highly similar properties. This amino acid position is well conserved in available vertebrate species. In addition, in silico predictors for this gene do not accurately predict pathogenicity. Missense variants in APC are not a common cause of disease (Spier I et al. Genet Med. 2024 Feb;26(2):100992). Based on the available evidence, the clinical significance of this variant remains unclear.

Labcorp Genetics (formerly Invitae), Labcorp
Classification: Uncertain significance for Familial adenomatous polyposis 1. Last evaluated: 2025-08-13. Review status: criteria provided, single submitter. Criteria: Invitae Variant Classification Sherloc (09022015). Collection method: clinical testing. Allele origin: germline.
Comment: This sequence change replaces isoleucine, which is neutral and non-polar, with valine, which is neutral and non-polar, at codon 1690 of the APC protein (p.Ile1690Val). This variant is present in population databases (rs201142277, gnomAD 0.007%). This variant has not been reported in the literature in individuals affected with APC-related conditions. ClinVar contains an entry for this variant (Variation ID: 411511). Invitae Evidence Modeling of protein sequence and biophysical properties (such as structural, functional, and spatial information, amino acid conservation, physicochemical variation, residue mobility, and thermodynamic stability) indicates that this missense variant is not expected to disrupt APC protein function with a negative predictive value of 95%. In summary, the available evidence is currently insufficient to determine the role of this variant in disease. Therefore, it has been classified as a Variant of Uncertain Significance.

Color Diagnostics, LLC DBA Color Health
Classification: Uncertain significance for Hereditary cancer-predisposing syndrome. Last evaluated: 2024-03-06. Review status: criteria provided, single submitter. Criteria: ACMG Guidelines, 2015. Collection method: clinical testing. Allele origin: germline.
Comment: This missense variant replaces isoleucine with valine at codon 1690 of the APC protein. Computational prediction suggests that this variant may not impact protein structure and function (internally defined REVEL score threshold <= 0.5, PMID: 27666373). To our knowledge, functional studies have not been reported for this variant. This variant has not been reported in individuals affected with APC-related disorders in the literature. This variant has been identified in 1/249564 chromosomes in the general population by the Genome Aggregation Database (gnomAD). The available evidence is insufficient to determine the role of this variant in disease conclusively. Therefore, this variant is classified as a Variant of Uncertain Significance.

All of Us Research Program, National Institutes of Health
Classification: Uncertain significance for Classic or attenuated familial adenomatous polyposis. Last evaluated: 2023-06-26. Review status: criteria provided, single submitter. Criteria: ACMG Guidelines, 2015. Collection method: clinical testing. Allele origin: germline. Inheritance: Autosomal dominant inheritance. Observed: 1 variant allele, 1 heterozygote.
Comment: This missense variant replaces isoleucine with valine at codon 1690 of the APC protein. Computational prediction suggests that this variant may not impact protein structure and function (internally defined REVEL score threshold <= 0.5, PMID: 27666373). To our knowledge, functional studies have not been reported for this variant. This variant has not been reported in individuals affected with APC-related disorders in the literature. This variant has been identified in 1/249564 chromosomes in the general population by the Genome Aggregation Database (gnomAD). The available evidence is insufficient to determine the role of this variant in disease conclusively. Therefore, this variant is classified as a Variant of Uncertain Significance.

This study involves interpretation of variants in research participants for the purpose of population health screening. Participant phenotype was not available at the time of variant classification. Additional details can be found in publication PMID: 35346344, PMCID: PMC8962531

GeneDx
Classification: Uncertain significance. Last evaluated: 2021-01-19. Review status: criteria provided, single submitter. Criteria: GeneDx Variant Classification Process June 2021. Collection method: clinical testing. Allele origin: germline. Affected: yes.
Comment: Not observed at a significant frequency in large population cohorts (Lek et al., 2016); In silico analysis, which includes protein predictors and evolutionary conservation, supports that this variant does not alter protein structure/function; Has not been previously published as pathogenic or benign to our knowledge

Mendelics
Classification: Uncertain significance for Familial adenomatous polyposis 1. Last evaluated: 2019-05-28. Review status: criteria provided, single submitter. Criteria: Mendelics Assertion Criteria 2017. Collection method: clinical testing. Allele origin: unknown.

NM_000038.6(APC):c.5068A>G (p.Ile1690Val)

Gene: APC (APC regulator of Wnt signaling pathway; plus strand). Cytogenetic location: 5q22.2.
Variant type: single nucleotide variant.
Coding change: c.5068A>G on transcript NM_000038.6 (MANE Select); coding-DNA position 5068, A replaced by G.
Protein change: p.Ile1690Val; replaces isoleucine 1690 with valine.
Molecular consequence: missense variant.
Genome position (GRCh38, 1-based): chr5:112,840,662, A>G. VCF-style: chr5-112840662-A-G. GRCh37 (hg19) VCF-style: chr5-112176359-A-G.
Other names: c.5068A>G, p.Ile1690Val (NM_001127510.3, NM_001354895.2); c.5014A>G, p.Ile1672Val (NM_001127511.3); c.5122A>G, p.Ile1708Val (NM_001354896.2); c.5098A>G, p.Ile1700Val (NM_001354897.2); c.4993A>G, p.Ile1665Val (NM_001354898.2); c.4984A>G, p.Ile1662Val (NM_001354899.2); c.4945A>G, p.Ile1649Val (NM_001354900.2); c.4891A>G, p.Ile1631Val (NM_001354901.2); and 5 more; short protein forms I1672V, I1690V, I1631V, I1649V, I1665V, I1700V, I1589V, I1708V.
Identifiers: ClinVar variation 411511 (VCV000411511.18), dbSNP rs201142277, ClinGen allele CA040590.